The following is an entry in ClinVar:

ClinVar aggregate classification (germline): Uncertain significance. Review status: criteria provided, multiple submitters, no conflicts (2 of 4 stars). 3 submissions from 3 submitters: Uncertain significance (3). Last evaluated 2024-07-18.

Conditions:
Peripheral neuropathy, autosomal recessive, with or without impaired intellectual development. Identifiers: MedGen C4748283, MONDO:0029131, OMIM 618124.

Allele frequency attached by ClinVar (database versions not stated): gnomAD exomes 0.00001; ExAC 0.00002; gnomAD 0.00002; TOPMed 0.00002.

Submissions (3):

GeneDx
Classification: Uncertain significance. Last evaluated: 2024-07-18. Review status: criteria provided, single submitter. Criteria: GeneDx Variant Classification Process June 2021. Collection method: clinical testing. Allele origin: germline. Affected: yes.
Comment: Not observed at significant frequency in large population cohorts (gnomAD); Nonsense variant predicted to result in protein truncation as the last 32 amino acids are lost, although loss-of-function variants have not been reported downstream of this position in the protein; Has not been previously published as pathogenic or benign to our knowledge

Department of Pathology and Laboratory Medicine, Sinai Health System
Classification: Uncertain significance for Peripheral neuropathy, autosomal recessive, with or without impaired intellectual development. Last evaluated: 2022-11-26. Review status: criteria provided, single submitter. Criteria: ACMG Guidelines, 2015. Collection method: research. Allele origin: germline.

Labcorp Genetics (formerly Invitae), Labcorp
Classification: Uncertain significance. Last evaluated: 2022-08-10. Review status: criteria provided, single submitter. Criteria: Invitae Variant Classification Sherloc (09022015). Collection method: clinical testing. Allele origin: germline.
Comment: This sequence change creates a premature translational stop signal (p.Arg1949*) in the MCM3AP gene. While this is not anticipated to result in nonsense mediated decay, it is expected to disrupt the last 32 amino acid(s) of the MCM3AP protein. This variant is present in population databases (rs745392476, gnomAD 0.009%). This variant has not been reported in the literature in individuals affected with MCM3AP-related conditions. Experimental studies and prediction algorithms are not available or were not evaluated, and the functional significance of this variant is currently unknown. In summary, the available evidence is currently insufficient to determine the role of this variant in disease. Therefore, it has been classified as a Variant of Uncertain Significance.

NM_003906.5(MCM3AP):c.5845C>T (p.Arg1949Ter)

Genes: MCM3AP (minichromosome maintenance complex component 3 associated protein; minus strand), MCM3AP-AS1 (MCM3AP antisense RNA 1; plus strand). Cytogenetic location: 21q22.3.
Variant type: single nucleotide variant.
Coding change: c.5845C>T on transcript NM_003906.5 (MANE Select); coding-DNA position 5845, C replaced by T.
Protein change: p.Arg1949Ter; replaces arginine 1949 with a stop codon.
Molecular consequence: nonsense.
Genome position (GRCh38, 1-based): chr21:46,235,366, G>A on the plus strand (C>T on the coding strand, the complement: MCM3AP is on the minus strand). VCF-style: chr21-46235366-G-A. GRCh37 (hg19) VCF-style: chr21-47655280-G-A.
Other names: short protein forms R1949*.
Identifiers: ClinVar variation 1903425 (VCV001903425.4), dbSNP rs745392476, ClinGen allele CA10075717.
Genomic context (GRCh38, chr21:46,235,366, plus strand): 5'-GCTCAGAGGCAACTTCCTCTTCCCTTGAACTCCGGATCAGCCTTTCCAGGTGCTTTAGTC[G>A]TTCGCCTAGACACGTTCCTGTCGCCTCTGACAGCTGCAGTTGCTCCCTCATCATGTCACT-3'